The following is an entry in ClinVar:

NM_001853.4(COL9A3):c.968G>T (p.Arg323Leu)

Gene: COL9A3 (collagen type IX alpha 3 chain; plus strand). Cytogenetic location: 20q13.33.
Variant type: single nucleotide variant.
Coding change: c.968G>T on transcript NM_001853.4 (MANE Select); coding-DNA position 968, G replaced by T.
Protein change: p.Arg323Leu; replaces arginine 323 with leucine.
Molecular consequence: missense variant.
Genome position (GRCh38, 1-based): chr20:62,828,936, G>T. VCF-style: chr20-62828936-G-T. GRCh37 (hg19) VCF-style: chr20-61460288-G-T.
Other names: c.968G>T (NM_001853.3); short protein forms R323L.
Identifiers: ClinVar variation 1521126 (VCV001521126.8), dbSNP rs761170700, ClinGen allele CA9949643.

ClinVar aggregate classification (germline): Uncertain significance. Review status: criteria provided, multiple submitters, no conflicts (2 of 4 stars). 4 submissions from 4 submitters: Uncertain significance (4). Last evaluated 2026-03-21.

Conditions:
COL9A3-related disorder. Also called: COL9A3-related condition.

gnomAD v4.1: 18 of 1,611,550 alleles (0.0011%); highest among the groups gnomAD compares: Admixed American, 0.02%; no homozygotes.

Submissions (4):

PreventionGenetics, part of Exact Sciences
Classification: Uncertain significance for COL9A3-related condition. Last evaluated: 2026-03-21. Review status: criteria provided, single submitter. Criteria: ACMG Guidelines, 2015. Collection method: clinical testing. Allele origin: germline.
Comment: The COL9A3 c.968G>T variant is predicted to result in the amino acid substitution p.Arg323Leu. To our knowledge, this variant has not been reported in the literature. This variant is reported in 0.014% of alleles in individuals of Latino descent in gnomAD. At this time, the clinical significance of this variant is uncertain due to the absence of conclusive functional and genetic evidence.

Labcorp Genetics (formerly Invitae), Labcorp
Classification: Uncertain significance. Last evaluated: 2025-12-20. Review status: criteria provided, single submitter. Criteria: Invitae Variant Classification Sherloc (09022015). Collection method: clinical testing. Allele origin: germline.
Comment: This sequence change replaces arginine, which is basic and polar, with leucine, which is neutral and non-polar, at codon 323 of the COL9A3 protein (p.Arg323Leu). This variant is present in population databases (rs761170700, gnomAD 0.01%). This variant has not been reported in the literature in individuals affected with COL9A3-related conditions. ClinVar contains an entry for this variant (Variation ID: 1521126). Invitae Evidence Modeling of protein sequence and biophysical properties (such as structural, functional, and spatial information, amino acid conservation, physicochemical variation, residue mobility, and thermodynamic stability) indicates that this missense variant is not expected to disrupt COL9A3 protein function with a negative predictive value of 95%. In summary, the available evidence is currently insufficient to determine the role of this variant in disease. Therefore, it has been classified as a Variant of Uncertain Significance.

GeneDx
Classification: Uncertain significance. Last evaluated: 2023-05-03. Review status: criteria provided, single submitter. Criteria: GeneDx Variant Classification Process June 2021. Collection method: clinical testing. Allele origin: germline. Affected: yes.
Comment: In silico analysis supports that this missense variant does not alter protein structure/function; Has not been previously published as pathogenic or benign to our knowledge

Blueprint Genetics
Classification: Uncertain significance. Last evaluated: 2022-01-28. Review status: criteria provided, single submitter. Criteria: ACMG Guidelines, 2015. Collection method: clinical testing. Allele origin: germline.